The following is an entry in ClinVar:

NM_170707.4(LMNA):c.1239C>A (p.Gly413=)

Gene: LMNA (lamin A/C; plus strand). Cytogenetic location: 1q22.
Variant type: single nucleotide variant.
Coding change: c.1239C>A on transcript NM_170707.4 (MANE Select); coding-DNA position 1239, C replaced by A.
Protein change: p.Gly413=; no amino-acid change (glycine 413 retained).
Molecular consequence: synonymous variant.
Genome position (GRCh38, 1-based): chr1:156,136,295, C>A. VCF-style: chr1-156136295-C-A. GRCh37 (hg19) VCF-style: chr1-156106086-C-A.
Other names: c.903C>A, p.Gly301= (NM_001257374.3, NM_001406989.1, NM_001406998.1); c.996C>A, p.Gly332= (NM_001282624.2, NM_001406986.1, NM_001406987.1); c.1239C>A, p.Gly413= (NM_001282625.2, NM_001282626.2, NM_001406983.1 and 6 more transcripts); c.942C>A, p.Gly314= (NM_001406988.1); c.681C>A, p.Gly227= (NM_001406990.1, NM_001406993.1, NM_001406995.1 and 4 more transcripts); c.615C>A, p.Gly205= (NM_001406994.1, NM_001406999.1, NM_001407000.1 and 1 more transcripts).
Identifiers: ClinVar variation 2201712 (VCV002201712.6), dbSNP rs754472024, ClinGen allele CA049607.
Genomic context (GRCh38, chr1:156,136,295, plus strand): 5'-TACCTCGCAGCGCAGCCGTGGCCGTGCTTCCTCTCACTCATCCCAGACACAGGGTGGGGG[C>A]AGCGTCACCAAAAAGCGCAAACTGGAGTCCACTGAGAGCCGCAGCAGCTTCTCACAGCAC-3'
Protein context (NP_733821.1, residues 403-423): SSHSSQTQGG[Gly413=]SVTKKRKLES

ClinVar aggregate classification (germline): Likely benign. Review status: criteria provided, multiple submitters, no conflicts (2 of 4 stars). 3 submissions from 3 submitters: Likely benign (3). Last evaluated 2024-06-13.

Conditions:
Primary dilated cardiomyopathy (DCM). Also called: Dilated Cardiomyopathy. Identifiers: Orphanet 217604, MedGen C0007193, MeSH D002311, MONDO:0005021, HP:0001644. Inheritance: Various modes of inheritance.
Cardiomyopathy (CMYO). Also called: Cardiomyopathies. Identifiers: Orphanet 167848, MedGen C0878544, MONDO:0004994, HP:0001638. Inheritance: Various modes of inheritance.
Charcot-Marie-Tooth disease type 2. Also called: Charcot-Marie-Tooth type 2. Identifiers: Orphanet 64746, MedGen C0270914, MONDO:0018993.

Allele frequency attached by ClinVar (database versions not stated): gnomAD exomes 0.00004; ExAC 0.00007; gnomAD 0.00001.
gnomAD v4.1: 52 of 1,612,076 alleles (0.0032%); highest among the groups gnomAD compares: South Asian, 0.055%; no homozygotes.

Submissions (3):

Labcorp Genetics (formerly Invitae), Labcorp
Classification: Likely benign for Charcot-Marie-Tooth disease type 2. Last evaluated: 2024-06-13. Review status: criteria provided, single submitter. Criteria: Invitae Variant Classification Sherloc (09022015). Collection method: clinical testing. Allele origin: germline.

All of Us Research Program, National Institutes of Health
Classification: Likely benign for Primary dilated cardiomyopathy. Last evaluated: 2023-10-27. Review status: criteria provided, single submitter. Criteria: ACMG Guidelines, 2015. Collection method: clinical testing. Allele origin: germline. Inheritance: Autosomal dominant inheritance. Observed: 1 variant allele, 1 heterozygote.
Comment: This study involves interpretation of variants in research participants for the purpose of population health screening. Participant phenotype was not available at the time of variant classification. Additional details can be found in publication PMID: 35346344, PMCID: PMC8962531

Color Diagnostics, LLC DBA Color Health
Classification: Likely benign for Cardiomyopathy. Last evaluated: 2022-02-03. Review status: criteria provided, single submitter. Criteria: ACMG Guidelines, 2015. Collection method: clinical testing. Allele origin: germline.